The following is an entry in ClinVar:

NM_001374828.1(ARID1B):c.2247+19103A>G

Gene: ARID1B (AT-rich interaction domain 1B; plus strand). Cytogenetic location: 6q25.3.
Variant type: single nucleotide variant.
Coding change: c.2247+19103A>G on transcript NM_001374828.1 (MANE Select); 19103 bases into the intron after coding-DNA position 2247, A replaced by G.
Molecular consequence: intron variant.
Genome position (GRCh38, 1-based): chr6:156,954,679, A>G. VCF-style: chr6-156954679-A-G. GRCh37 (hg19) VCF-style: chr6-157275813-A-G.
Other names: c.2286+19103A>G (NM_001371656.1, NM_001374820.1); c.2247+19103A>G (NM_001438483.1, NM_001438486.1, NM_001438482.1 and 6 more transcripts).
Identifiers: ClinVar variation 4291129 (VCV004291129.2).
Genomic context (GRCh38, chr6:156,954,679, plus strand): 5'-AATTGTTTAGGAAGTTTTTCCTTACATTAGCTCGAACTGTTTTTTTTGTTTGTTTTTTTA[A>G]ATCCTGGTTCTACTTCTGCCTTCTTAAACCACACAAGGTAAATCTAAATCCTTCTTCTAT-3'

ClinVar aggregate classification (germline): Uncertain significance (1 of 4 stars; one submission).

Conditions:
Coffin-Siris syndrome 1 (CSS1). Also called: ARID1B-Related Coffin-Siris Syndrome; Mental retardation, autosomal dominant 12. Identifiers: Orphanet 1465, MedGen C3281201, MONDO:0007617, OMIM 135900. Disease mechanism: gain of function.

Submission:

Institute of Human Genetics, University of Leipzig Medical Center
Classification: Uncertain significance for Coffin-Siris syndrome 1. Last evaluated: 2025-09-02. Review status: criteria provided, single submitter. Criteria: ACMG Guidelines, 2015. Collection method: clinical testing. Allele origin: de novo. Inheritance: Autosomal dominant inheritance. Affected: yes.
Comment: Criteria applied: PM2,PVS1_SUP,PS2_MOD